The following is an entry in ClinVar:

ClinVar aggregate classification (germline): Uncertain significance (1 of 4 stars; one submission).

Submission:

Women's Health and Genetics/Laboratory Corporation of America, LabCorp
Classification: Uncertain significance. Last evaluated: 2024-09-24. Review status: criteria provided, single submitter. Criteria: LabCorp Variant Classification Summary - May 2015. Collection method: clinical testing. Allele origin: germline.
Comment: Variant summary: DNA2 c.544C>G (p.Leu182Val) results in a conservative amino acid change located in the DNA replication factor Dna2, N-terminal domain (IPR014808) of the encoded protein sequence. Four of five in-silico tools predict a benign effect of the variant on protein function. The variant was absent in 245198 control chromosomes. The available data on variant occurrences in the general population are insufficient to allow any conclusion about variant significance. To our knowledge, no occurrence of c.544C>G in individuals affected with Progressive External Ophthalmoplegia With Mitochondrial DNA Deletions, Autosomal Dominant 6 and no experimental evidence demonstrating its impact on protein function have been reported. No submitters have cited clinical-significance assessments for this variant to ClinVar. Based on the evidence outlined above, the variant was classified as uncertain significance.

NM_001080449.3(DNA2):c.544C>G (p.Leu182Val)

Gene: DNA2 (DNA replication helicase/nuclease 2; minus strand). Cytogenetic location: 10q21.3.
Variant type: single nucleotide variant.
Coding change: c.544C>G on transcript NM_001080449.3 (MANE Select); coding-DNA position 544, C replaced by G.
Protein change: p.Leu182Val; replaces leucine 182 with valine.
Molecular consequence: missense variant. On other transcripts: non-coding transcript variant (1).
Genome position (GRCh38, 1-based): chr10:68,465,710, G>C on the plus strand (C>G on the coding strand, the complement: DNA2 is on the minus strand). VCF-style: chr10-68465710-G-C. GRCh37 (hg19) VCF-style: chr10-70225467-G-C.
Other names: short protein forms L182V.
Identifiers: ClinVar variation 3375266 (VCV003375266.1).